The following is an entry in ClinVar:

ClinVar aggregate classification (germline): Uncertain significance (1 of 4 stars; one submission).

Conditions:
Autosomal dominant polycystic kidney disease. Identifiers: Orphanet 730, MedGen C0085413, MONDO:0004691.

gnomAD v4.1: 19 of 1,614,038 alleles (0.0012%); highest among the groups gnomAD compares: South Asian, 0.016%; 1 homozygote.

Submission:

Labcorp Genetics (formerly Invitae), Labcorp
Classification: Uncertain significance for Autosomal dominant polycystic kidney disease. Last evaluated: 2025-09-22. Review status: criteria provided, single submitter. Criteria: Invitae Variant Classification Sherloc (09022015). Collection method: clinical testing. Allele origin: germline.
Comment: This sequence change replaces phenylalanine, which is neutral and non-polar, with leucine, which is neutral and non-polar, at codon 805 of the PKD2 protein (p.Phe805Leu). This variant is present in population databases (rs746133842, gnomAD 0.02%). This variant has not been reported in the literature in individuals affected with PKD2-related conditions. Invitae Evidence Modeling of protein sequence and biophysical properties (such as structural, functional, and spatial information, amino acid conservation, physicochemical variation, residue mobility, and thermodynamic stability) indicates that this missense variant is not expected to disrupt PKD2 protein function with a negative predictive value of 80%. In summary, the available evidence is currently insufficient to determine the role of this variant in disease. Therefore, it has been classified as a Variant of Uncertain Significance.

NM_000297.4(PKD2):c.2413T>C (p.Phe805Leu)

Gene: PKD2 (polycystin 2, transient receptor potential cation channel; plus strand). Cytogenetic location: 4q22.1.
Variant type: single nucleotide variant.
Coding change: c.2413T>C on transcript NM_000297.4 (MANE Select); coding-DNA position 2413, T replaced by C.
Protein change: p.Phe805Leu; replaces phenylalanine 805 with leucine.
Molecular consequence: missense variant. On other transcripts: non-coding transcript variant (1).
Genome position (GRCh38, 1-based): chr4:88,067,952, T>C. VCF-style: chr4-88067952-T-C. GRCh37 (hg19) VCF-style: chr4-88989104-T-C.
Other names: c.2188T>C, p.Phe730Leu (NM_001440544.1); short protein forms F805L, F730L.
Identifiers: ClinVar variation 4764960 (VCV004764960.1).